The following is an entry in ClinVar:

NM_003482.4(KMT2D):c.14668A>G (p.Thr4890Ala)

Gene: KMT2D (lysine methyltransferase 2D; minus strand). Cytogenetic location: 12q13.12.
Variant type: single nucleotide variant.
Coding change: c.14668A>G on transcript NM_003482.4 (MANE Select); coding-DNA position 14668, A replaced by G.
Protein change: p.Thr4890Ala; replaces threonine 4890 with alanine.
Molecular consequence: missense variant.
Genome position (GRCh38, 1-based): chr12:49,027,298, T>C on the plus strand (A>G on the coding strand, the complement: KMT2D is on the minus strand). VCF-style: chr12-49027298-T-C. GRCh37 (hg19) VCF-style: chr12-49421081-T-C.
Other names: short protein forms T4890A.
Identifiers: ClinVar variation 2072660 (VCV002072660.4), dbSNP rs2120371220, ClinGen allele CA384692329.

ClinVar aggregate classification (germline): Uncertain significance (1 of 4 stars; one submission).

Conditions:
Kabuki syndrome. Also called: Kabuki make-up syndrome; NIIKAWA-KUROKI SYNDROME. Identifiers: Orphanet 2322, MedGen C0796004, MONDO:0016512.

Submission:

Labcorp Genetics (formerly Invitae), Labcorp
Classification: Uncertain significance for Kabuki syndrome. Last evaluated: 2023-08-04. Review status: criteria provided, single submitter. Criteria: Invitae Variant Classification Sherloc (09022015). Collection method: clinical testing. Allele origin: germline.
Comment: This sequence change replaces threonine, which is neutral and polar, with alanine, which is neutral and non-polar, at codon 4890 of the KMT2D protein (p.Thr4890Ala). This variant is not present in population databases (gnomAD no frequency). This variant has not been reported in the literature in individuals affected with KMT2D-related conditions. ClinVar contains an entry for this variant (Variation ID: 2072660). Advanced modeling of protein sequence and biophysical properties (such as structural, functional, and spatial information, amino acid conservation, physicochemical variation, residue mobility, and thermodynamic stability) performed at Invitae indicates that this missense variant is not expected to disrupt KMT2D protein function. In summary, the available evidence is currently insufficient to determine the role of this variant in disease. Therefore, it has been classified as a Variant of Uncertain Significance.